The following is an entry in ClinVar:

NM_014946.4(SPAST):c.1510G>A (p.Val504Ile)

Gene: SPAST (spastin; plus strand). Cytogenetic location: 2p22.3.
Variant type: single nucleotide variant.
Coding change: c.1510G>A on transcript NM_014946.4 (MANE Select); coding-DNA position 1510, G replaced by A.
Protein change: p.Val504Ile; replaces valine 504 with isoleucine.
Molecular consequence: missense variant.
Genome position (GRCh38, 1-based): chr2:32,141,920, G>A. VCF-style: chr2-32141920-G-A. GRCh37 (hg19) VCF-style: chr2-32366989-G-A.
Other names: c.1507G>A, p.Val503Ile (NM_001363823.2); c.1411G>A, p.Val471Ile (NM_001363875.2); c.1414G>A, p.Val472Ile (NM_001377959.1, NM_199436.2); short protein forms V471I, V472I, V503I, V504I.
Identifiers: ClinVar variation 4854646 (VCV004854646.1).

ClinVar aggregate classification (germline): Uncertain significance (1 of 4 stars; one submission).

Conditions:
Hereditary spastic paraplegia 4. Also called: Spastic Paraplegia 4; Familial spastic paraplegia autosomal dominant 2; Spastic paraplegia 4, autosomal dominant. Identifiers: Orphanet 100985, MedGen C1866855, MONDO:0008438, OMIM 182601.

Submission:

3billion
Classification: Uncertain significance for Hereditary spastic paraplegia 4. Last evaluated: 2025-09-24. Review status: criteria provided, single submitter. Criteria: ACMG Guidelines, 2015. Collection method: clinical testing. Allele origin: germline. Affected: yes.
Comment: The variant is not observed in the gnomAD v4.1.0 dataset. Predicted Consequence/Location: Missense variant In silico tool prediction suggests damaging effect of the variant on gene or gene product [3Cnet: 0.99 (> 0.75, sensitivity 0.96 and precision 0.92)]. Therefore, this variant is classified as VUS according to the recommendation of ACMG/AMP guideline.